The following is an entry in ClinVar:

NM_001258392.3(CLPB):c.2021G>A (p.Cys674Tyr)

Gene: CLPB (ClpB family mitochondrial disaggregase; minus strand). Cytogenetic location: 11q13.4.
Variant type: single nucleotide variant.
Coding change: c.2021G>A on transcript NM_001258392.3 (MANE Select); coding-DNA position 2021, G replaced by A.
Protein change: p.Cys674Tyr; replaces cysteine 674 with tyrosine.
Molecular consequence: missense variant.
Genome position (GRCh38, 1-based): chr11:72,293,380, C>T on the plus strand (G>A on the coding strand, the complement: CLPB is on the minus strand). VCF-style: chr11-72293380-C-T. GRCh37 (hg19) VCF-style: chr11-72004424-C-T.
Other names: c.1934G>A, p.Cys645Tyr (NM_001258393.3); c.1976G>A, p.Cys659Tyr (NM_001258394.3); c.2111G>A, p.Cys704Tyr (NM_030813.6); short protein forms C645Y, C659Y, C704Y, C674Y.
Identifiers: ClinVar variation 1954118 (VCV001954118.5), dbSNP rs372096809, ClinGen allele CA224384877.
Genomic context (GRCh38, chr11:72,293,380, plus strand): 5'-GGGCCTTTATTGGATGGTGAGGGCACATAGGAGCAGGCAGGTGGCTGCTAGATGGTGTTG[C>T]ACACCTTCTCAGGGTGCAGTGGTGCCCGGATGTCCAGTCTGCGAGTCTTGCTGTCCTTGT-3'
Protein context (NP_001245321.1, residues 664-677): IRAPLHPEKV[Cys674Tyr]NTI

ClinVar aggregate classification (germline): Uncertain significance (1 of 4 stars; one submission).

Conditions:
3-methylglutaconic aciduria, type VIIB (MGCA7B). Also called: 3-methylglutaconic aciduria with cataracts, neurologic involvement and neutropenia; 3-methylglutaconic aciduria, type VII, with cataracts, neurologic involvement and neutropenia; CLPB Deficiency. Identifiers: Orphanet 445038, MedGen C5676893, MONDO:0014561, OMIM 616271.

Allele frequency attached by ClinVar (database versions not stated): gnomAD exomes below 0.00001; gnomAD 0.00001; ESP Exome Variant Server 0.00008.
gnomAD v4.1: 7 of 1,613,802 alleles (0.00043%); highest among the groups gnomAD compares: Non-Finnish European, 0.00059%; no homozygotes.

Submission:

Labcorp Genetics (formerly Invitae), Labcorp
Classification: Uncertain significance for 3-methylglutaconic aciduria, type VIIB. Last evaluated: 2022-07-23. Review status: criteria provided, single submitter. Criteria: Invitae Variant Classification Sherloc (09022015). Collection method: clinical testing. Allele origin: germline.
Comment: In summary, the available evidence is currently insufficient to determine the role of this variant in disease. Therefore, it has been classified as a Variant of Uncertain Significance. Algorithms developed to predict the effect of missense changes on protein structure and function are either unavailable or do not agree on the potential impact of this missense change (SIFT: "Deleterious"; PolyPhen-2: "Possibly Damaging"; Align-GVGD: "Class C0"). This variant has not been reported in the literature in individuals affected with CLPB-related conditions. This variant is present in population databases (rs372096809, gnomAD 0.0009%). This sequence change replaces cysteine, which is neutral and slightly polar, with tyrosine, which is neutral and polar, at codon 704 of the CLPB protein (p.Cys704Tyr).